The following is an entry in ClinVar:

ClinVar aggregate classification (germline): Uncertain significance (1 of 4 stars; one submission).

Conditions:
Pitt-Hopkins-like syndrome 2 (PTHSL2). Identifiers: Orphanet 221150, Orphanet 600663, MedGen C3280479, MONDO:0013690, OMIM 614325.

gnomAD v4.1: 5 of 1,556,508 alleles (0.00032%); highest among the groups gnomAD compares: Non-Finnish European, 0.00043%; no homozygotes.

Submission:

Labcorp Genetics (formerly Invitae), Labcorp
Classification: Uncertain significance for Pitt-Hopkins-like syndrome 2. Last evaluated: 2023-07-19. Review status: criteria provided, single submitter. Criteria: Invitae Variant Classification Sherloc (09022015). Collection method: clinical testing. Allele origin: germline.
Comment: In summary, the available evidence is currently insufficient to determine the role of this variant in disease. Therefore, it has been classified as a Variant of Uncertain Significance. Variants that disrupt the consensus splice site are a relatively common cause of aberrant splicing (PMID: 17576681, 9536098). Algorithms developed to predict the effect of sequence changes on RNA splicing suggest that this variant is not likely to affect RNA splicing. This variant has not been reported in the literature in individuals affected with NRXN1-related conditions. This variant is not present in population databases (gnomAD no frequency). This sequence change falls in intron 17 of the NRXN1 gene. It does not directly change the encoded amino acid sequence of the NRXN1 protein. It affects a nucleotide within the consensus splice site.

Literature cited by the submitters: PubMed 17576681; PubMed 9536098.

NM_001330078.2(NRXN1):c.3244+6A>G

Gene: NRXN1 (neurexin 1; minus strand). Cytogenetic location: 2p16.3.
Variant type: single nucleotide variant.
Coding change: c.3244+6A>G on transcript NM_001330078.2 (MANE Select); 6 bases into the intron after coding-DNA position 3244, A replaced by G.
Molecular consequence: intron variant.
Genome position (GRCh38, 1-based): chr2:50,472,292, T>C on the plus strand (A>G on the coding strand, the complement: NRXN1 is on the minus strand). VCF-style: chr2-50472292-T-C. GRCh37 (hg19) VCF-style: chr2-50699430-T-C.
Other names: c.3133+6A>G (NM_001330096.2, NM_001330087.2); c.3178+6A>G (NM_001330083.2, NM_001330084.2); c.3163+6A>G (NM_001330088.2); c.3241+6A>G (NM_001330093.2); c.3232+6A>G (NM_001330094.2); c.3193+6A>G (NM_001330095.2); c.3220+6A>G (NM_001330082.2, NM_001330077.2); c.3217+6A>G (NM_001330085.2); and 2 more.
Identifiers: ClinVar variation 2724209 (VCV002724209.3), dbSNP rs2089555654, ClinGen allele CA1249580619.